The following is an entry in ClinVar:

ClinVar aggregate classification (germline): Benign/Likely benign. Review status: criteria provided, multiple submitters, no conflicts (2 of 4 stars). 5 submissions from 5 submitters: Benign (1); Likely benign (4). Last evaluated 2025-08-27.

Conditions:
Hereditary cancer-predisposing syndrome. Also called: Hereditary neoplastic syndrome; Neoplastic Syndromes, Hereditary; Tumor predisposition; Hereditary Cancer Syndrome. Identifiers: Orphanet 140162, MedGen C0027672, MeSH D009386, MONDO:0015356.
Fanconi anemia complementation group O. Also called: RAD51C-Related Fanconi Anemia. Identifiers: Orphanet 84, MedGen C3150653, MONDO:0013248, OMIM 613390.
Breast-ovarian cancer, familial, susceptibility to, 3. Also called: RAD51C-Related Breast/Ovarian Cancer. Identifiers: Orphanet 145, MedGen C3150659, MONDO:0013253, OMIM 613399.

Allele frequency attached by ClinVar (database versions not stated): gnomAD exomes below 0.00001.
gnomAD v4.1: 1 of 1,614,222 alleles (0.000062%); highest among the groups gnomAD compares: Admixed American, 0.0017%; no homozygotes.

Submissions (5):

Labcorp Genetics (formerly Invitae), Labcorp
Classification: Likely benign for Fanconi anemia complementation group O. Last evaluated: 2025-08-27. Review status: criteria provided, single submitter. Criteria: Invitae Variant Classification Sherloc (09022015). Collection method: clinical testing. Allele origin: germline.

Myriad Genetics, Inc.
Classification: Benign for Breast-ovarian cancer, familial, susceptibility to, 3. Last evaluated: 2025-02-18. Review status: criteria provided, single submitter. Criteria: Myriad Autosomal Dominant, Autosomal Recessive and X-Linked Classification Criteria (2023). Collection method: clinical testing. Allele origin: unknown.
Comment: This variant is considered benign. This variant is a silent/synonymous amino acid change and it is not expected to impact splicing.

Quest Diagnostics Nichols Institute San Juan Capistrano
Classification: Likely benign. Last evaluated: 2022-09-13. Review status: criteria provided, single submitter. Criteria: Quest Diagnostics criteria. Collection method: clinical testing. Allele origin: unknown.

Color Diagnostics, LLC DBA Color Health
Classification: Likely benign for Hereditary cancer-predisposing syndrome. Last evaluated: 2018-12-14. Review status: criteria provided, single submitter. Criteria: ACMG Guidelines, 2015. Collection method: clinical testing. Allele origin: germline.

Ambry Genetics
Classification: Likely benign for Hereditary cancer-predisposing syndrome. Last evaluated: 2016-10-20. Review status: criteria provided, single submitter. Criteria: Ambry Variant Classification Scheme 2023. Collection method: clinical testing. Allele origin: germline.

NM_058216.3(RAD51C):c.519T>C (p.Ala173=)

Gene: RAD51C (RAD51 paralog C; plus strand). Cytogenetic location: 17q22.
Variant type: single nucleotide variant.
Coding change: c.519T>C on transcript NM_058216.3 (MANE Select); coding-DNA position 519, T replaced by C.
Protein change: p.Ala173=; no amino-acid change (alanine 173 retained).
Molecular consequence: synonymous variant.
Genome position (GRCh38, 1-based): chr17:58,696,807, T>C. VCF-style: chr17-58696807-T-C. GRCh37 (hg19) VCF-style: chr17-56774168-T-C.
Other names: c.519T>C (LRG_314t1).
Identifiers: ClinVar variation 482175 (VCV000482175.20), dbSNP rs1177998422, ClinGen allele CA501075019.
Genomic context (GRCh38, chr17:58,696,807, plus strand): 5'-TGAAGCAGTTTTTATTGATACAGAGGGAAGTTTTATGGTTGATAGAGTGGTAGACCTTGC[T>C]ACTGCCTGCATTCAGCACCTTCAGCTTATAGCAGAAAAACACAAGGGAGAGGGTAAGTTA-3'
Protein context (NP_478123.1, residues 163-183): SFMVDRVVDL[Ala173=]TACIQHLQLI